The following is an entry in ClinVar:

NC_000023.11:g.(?_32442157)_(32565891_?)dup

Gene: DMD (dystrophin; minus strand). Cytogenetic location: Xp21.1.
Variant type: Duplication.
Identifiers: ClinVar variation 830685 (VCV000830685.8).

ClinVar aggregate classification (germline): Uncertain significance (1 of 4 stars; one submission).

Conditions:
Duchenne muscular dystrophy (DMD). Also called: Duchenne Muscular Dystrophy (DMD); MUSCULAR DYSTROPHY, PSEUDOHYPERTROPHIC PROGRESSIVE, DUCHENNE TYPE. Identifiers: Orphanet 98896, MedGen C0013264, MONDO:0010679, OMIM 310200.

Submission:

Labcorp Genetics (formerly Invitae), Labcorp
Classification: Uncertain significance for Duchenne muscular dystrophy. Last evaluated: 2019-09-20. Review status: criteria provided, single submitter. Criteria: Invitae Variant Classification Sherloc (09022015). Collection method: clinical testing. Allele origin: germline.
Comment: In summary, the available evidence is currently insufficient to determine the role of this variant in disease. Therefore, it has been classified as a Variant of Uncertain Significance. A similar copy number gain of exons 16-27 has been observed in an individual affected with Becker muscular dystrophy (PMID: 22776072). This variant results in a copy number gain of the genomic region encompassing exons 16-27 of the DMD gene. While the exact position of this variant cannot be determined from this data, sub-genic copy number gains are generally in tandem (PMID: 25640679). This variant would be expected to be in-frame, preserving the integrity of the reading frame.

Literature cited by the submitters: PubMed 22776072; PubMed 25640679.